The following is an entry in ClinVar:

ClinVar aggregate classification (germline): Uncertain significance. Review status: criteria provided, multiple submitters, no conflicts (2 of 4 stars). 2 submissions from 2 submitters: Uncertain significance (2). Last evaluated 2024-04-15.

Conditions:
Vitamin B2 deficiency. Identifiers: MedGen C0035528.

Allele frequency attached by ClinVar (database versions not stated): ExAC 0.00003; gnomAD 0.00005; TOPMed 0.00005.
gnomAD v4.1: 104 of 1,614,076 alleles (0.0064%); highest among the groups gnomAD compares: Middle Eastern, 0.016%; no homozygotes.

Submissions (2):

Ambry Genetics
Classification: Uncertain significance. Last evaluated: 2024-04-15. Review status: criteria provided, single submitter. Criteria: Ambry Variant Classification Scheme 2023. Collection method: clinical testing. Allele origin: germline.

Labcorp Genetics (formerly Invitae), Labcorp
Classification: Uncertain significance for Vitamin B2 deficiency. Last evaluated: 2023-02-06. Review status: criteria provided, single submitter. Criteria: Invitae Variant Classification Sherloc (09022015). Collection method: clinical testing. Allele origin: germline.
Comment: In summary, the available evidence is currently insufficient to determine the role of this variant in disease. Therefore, it has been classified as a Variant of Uncertain Significance. Advanced modeling of protein sequence and biophysical properties (such as structural, functional, and spatial information, amino acid conservation, physicochemical variation, residue mobility, and thermodynamic stability) performed at Invitae indicates that this missense variant is not expected to disrupt SLC52A1 protein function. This variant has not been reported in the literature in individuals affected with SLC52A1-related conditions. This variant is present in population databases (rs769521362, gnomAD 0.008%). This sequence change replaces arginine, which is basic and polar, with cysteine, which is neutral and slightly polar, at codon 190 of the SLC52A1 protein (p.Arg190Cys).

NM_017986.4(SLC52A1):c.568C>T (p.Arg190Cys)

Gene: SLC52A1 (solute carrier family 52 member 1; minus strand). Cytogenetic location: 17p13.2.
Variant type: single nucleotide variant.
Coding change: c.568C>T on transcript NM_017986.4 (MANE Select); coding-DNA position 568, C replaced by T.
Protein change: p.Arg190Cys; replaces arginine 190 with cysteine.
Molecular consequence: missense variant.
Genome position (GRCh38, 1-based): chr17:5,033,921, G>A on the plus strand (C>T on the coding strand, the complement: SLC52A1 is on the minus strand). VCF-style: chr17-5033921-G-A. GRCh37 (hg19) VCF-style: chr17-4937216-G-A.
Other names: c.568C>T (NM_001104577.1); c.568C>T, p.Arg190Cys (NM_001104577.2); short protein forms R190C.
Identifiers: ClinVar variation 2728165 (VCV002728165.4), dbSNP rs769521362, ClinGen allele CA8319759.